The following is an entry in ClinVar:

ClinVar aggregate classification (germline): Uncertain significance. Review status: criteria provided, multiple submitters, no conflicts (2 of 4 stars). 3 submissions from 3 submitters: Uncertain significance (3). Last evaluated 2025-03-31.

Conditions:
Inborn genetic diseases. Identifiers: MedGen C0950123, MeSH D030342.
SRCAP-related disorder. Also called: SRCAP-related condition.

Allele frequency attached by ClinVar (database versions not stated): ExAC 0.00001; gnomAD exomes 0.00001; TOPMed 0.00001; gnomAD 0.00003 and 0.00004.
gnomAD v4.1: 8 of 1,614,058 alleles (0.0005%); highest among the groups gnomAD compares: Admixed American, 0.013%; no homozygotes.

Submissions (3):

Ambry Genetics
Classification: Uncertain significance for Inborn genetic diseases. Last evaluated: 2025-03-31. Review status: criteria provided, single submitter. Criteria: Ambry Variant Classification Scheme 2023. Collection method: clinical testing. Allele origin: germline.

Labcorp Genetics (formerly Invitae), Labcorp
Classification: Uncertain significance. Last evaluated: 2024-07-15. Review status: criteria provided, single submitter. Criteria: Invitae Variant Classification Sherloc (09022015). Collection method: clinical testing. Allele origin: germline.
Comment: This sequence change replaces alanine, which is neutral and non-polar, with valine, which is neutral and non-polar, at codon 2699 of the SRCAP protein (p.Ala2699Val). This variant is present in population databases (rs747073084, gnomAD 0.009%). This variant has not been reported in the literature in individuals affected with SRCAP-related conditions. ClinVar contains an entry for this variant (Variation ID: 1433155). Advanced modeling of protein sequence and biophysical properties (such as structural, functional, and spatial information, amino acid conservation, physicochemical variation, residue mobility, and thermodynamic stability) performed at Invitae indicates that this missense variant is not expected to disrupt SRCAP protein function with a negative predictive value of 80%. In summary, the available evidence is currently insufficient to determine the role of this variant in disease. Therefore, it has been classified as a Variant of Uncertain Significance.

PreventionGenetics, part of Exact Sciences
Classification: Uncertain significance for SRCAP-related condition. Last evaluated: 2023-10-10. Review status: criteria provided, single submitter. Criteria: ACMG Guidelines, 2015. Collection method: clinical testing. Allele origin: germline.
Comment: The SRCAP c.8096C>T variant is predicted to result in the amino acid substitution p.Ala2699Val. To our knowledge, this variant has not been reported in the literature. This variant is reported in 0.0058% of alleles in individuals of Latino descent in gnomAD. At this time, the clinical significance of this variant is uncertain due to the absence of conclusive functional and genetic evidence.

NM_006662.3(SRCAP):c.8096C>T (p.Ala2699Val)

Gene: SRCAP (Snf2 related CREBBP activator protein; plus strand). Cytogenetic location: 16p11.2.
Variant type: single nucleotide variant.
Coding change: c.8096C>T on transcript NM_006662.3 (MANE Select); coding-DNA position 8096, C replaced by T.
Protein change: p.Ala2699Val; replaces alanine 2699 with valine.
Molecular consequence: missense variant.
Genome position (GRCh38, 1-based): chr16:30,738,136, C>T. VCF-style: chr16-30738136-C-T. GRCh37 (hg19) VCF-style: chr16-30749457-C-T.
Other names: c.8096C>T (NM_006662.2); short protein forms A2699V.
Identifiers: ClinVar variation 1433155 (VCV001433155.7), dbSNP rs747073084, ClinGen allele CA8012615.